The following is an entry in ClinVar:

ClinVar aggregate classification (germline): Pathogenic/Likely pathogenic. Review status: criteria provided, multiple submitters, no conflicts (2 of 4 stars). 2 submissions from 2 submitters: Pathogenic (1); Likely pathogenic (1). Last evaluated 2024-05-01.

Conditions:
Hereditary spherocytosis type 1. Also called: Spherocytosis type 1; ANK1-Related Spherocytosis. Identifiers: Orphanet 822, MedGen C2674218, MONDO:0008447, OMIM 182900.

Submissions (2):

Revvity Omics, Revvity
Classification: Likely pathogenic for Hereditary spherocytosis type 1. Last evaluated: 2024-05-01. Review status: criteria provided, single submitter. Criteria: ACMG Guidelines, 2015. Collection method: clinical testing. Allele origin: germline.

Mayo Clinic Laboratories, Mayo Clinic
Classification: Pathogenic. Last evaluated: 2022-12-01. Review status: criteria provided, single submitter. Criteria: ACMG Guidelines, 2015. Collection method: clinical testing. Allele origin: germline. Observed: 1 variant allele.
Comment: PM2, PS3, PVS1

Literature cited by the submitters: PubMed 29449435 (cited by Mayo Clinic Laboratories, Mayo Clinic).

NM_000037.4(ANK1):c.2961-2A>G

Gene: ANK1 (ankyrin 1; minus strand). Cytogenetic location: 8p11.21.
Variant type: single nucleotide variant.
Coding change: c.2961-2A>G on transcript NM_000037.4 (MANE Select); the canonical splice acceptor site of the intron before coding-DNA position 2961, A replaced by G.
Molecular consequence: splice acceptor variant.
Genome position (GRCh38, 1-based): chr8:41,695,333, T>C on the plus strand (A>G on the coding strand, the complement: ANK1 is on the minus strand). VCF-style: chr8-41695333-T-C. GRCh37 (hg19) VCF-style: chr8-41552851-T-C.
Other names: c.3084-2A>G (NM_001142446.2); c.2961-2A>G (NM_020477.3, NM_020475.3, NM_020476.3 and 1 more transcripts).
Identifiers: ClinVar variation 1323892 (VCV001323892.5), dbSNP rs2150594692, ClinGen allele CA371061792.